The following is an entry in ClinVar:

ClinVar aggregate classification (germline): Benign/Likely benign. Review status: criteria provided, multiple submitters, no conflicts (2 of 4 stars). 5 submissions from 5 submitters: Benign (3); Likely benign (1). 1 of the submissions does not count toward it. Last evaluated 2024-01-12.

Conditions:
SLCO1B3-related disorder. Also called: SLCO1B3-related condition.
Rotor syndrome (HBLRR). Also called: HYPERBILIRUBINEMIA, ROTOR TYPE, DIGENIC; HYPERBILIRUBINEMIA, ROTOR TYPE. Identifiers: Orphanet 3111, MedGen C0220991, MONDO:0009379, OMIM 237450.

Allele frequency attached by ClinVar (database versions not stated): gnomAD exomes 0.00058 and 0.00149; ExAC 0.00183; 1000 Genomes Project 0.00559; gnomAD 0.00559 and 0.00606; TOPMed 0.00612; 1000 Genomes Project 30x 0.00703; ESP Exome Variant Server 0.00723.
gnomAD v4.1: 1,721 of 1,611,122 alleles (0.11%); highest among the groups gnomAD compares: African/African-American, 2.1%; 19 homozygotes.

Submissions (5):

ARUP Laboratories, Molecular Genetics and Genomics, ARUP Laboratories
Classification: Likely benign for Rotor syndrome. Last evaluated: 2024-01-12. Review status: criteria provided, single submitter. Criteria: ARUP Molecular Germline Variant Investigation Process 2024. Collection method: clinical testing. Allele origin: germline.

Labcorp Genetics (formerly Invitae), Labcorp
Classification: Benign. Last evaluated: 2019-12-31. Review status: criteria provided, single submitter. Criteria: Invitae Variant Classification Sherloc (09022015). Collection method: clinical testing. Allele origin: germline.

Illumina Laboratory Services, Illumina
Classification: Benign for Rotor syndrome. Last evaluated: 2018-01-13. Review status: criteria provided, single submitter. Criteria: ICSL Variant Classification Criteria 13 December 2019. Collection method: clinical testing. Allele origin: germline.
Comment: This variant was observed in the ICSL laboratory as part of a predisposition screen in an ostensibly healthy population. It had not been previously curated by ICSL or reported in the Human Gene Mutation Database (HGMD: prior to June 1st, 2018), and was therefore a candidate for classification through an automated scoring system. Utilizing variant allele frequency, disease prevalence and penetrance estimates, and inheritance mode, an automated score was calculated to assess if this variant is too frequent to cause the disease. Based on the score and internal cut-off values, a variant classified as benign is not then subjected to further curation. The score for this variant resulted in a classification of benign for this disease.

Breakthrough Genomics
Classification: Benign. Review status: criteria provided, single submitter. Criteria: ACMG Guidelines, 2015. Collection method: not provided. Allele origin: germline. Inheritance: Autosomal recessive inheritance. Affected: yes.

PreventionGenetics, part of Exact Sciences
Classification: Benign for SLCO1B3-related condition. Last evaluated: 2020-01-13. Review status: no assertion criteria provided. Collection method: clinical testing. Allele origin: germline. Not counted in ClinVar's aggregate classification.
Comment: This variant is classified as benign based on ACMG/AMP sequence variant interpretation guidelines (Richards et al. 2015 PMID: 25741868, with internal and published modifications).

NM_019844.4(SLCO1B3):c.108C>G (p.Phe36Leu)

Genes: SLCO1B3-SLCO1B7 (SLCO1B3-SLCO1B7 readthrough; plus strand), SLCO1B3 (solute carrier organic anion transporter family member 1B3; plus strand). Cytogenetic location: 12p12.2.
Variant type: single nucleotide variant.
Coding change: c.108C>G on transcript NM_019844.4 (MANE Select); coding-DNA position 108, C replaced by G.
Protein change: p.Phe36Leu; replaces phenylalanine 36 with leucine.
Molecular consequence: missense variant.
Genome position (GRCh38, 1-based): chr12:20,855,051, C>G. VCF-style: chr12-20855051-C-G. GRCh37 (hg19) VCF-style: chr12-21007985-C-G.
Other names: c.24C>G, p.Phe8Leu (NM_001349920.2); short protein forms F36L, F8L.
Identifiers: ClinVar variation 307885 (VCV000307885.14), dbSNP rs79042365, ClinGen allele CA6475066.